The following is an entry in ClinVar:

ClinVar aggregate classification (germline): Likely pathogenic (1 of 4 stars; one submission).

Conditions:
Autosomal recessive congenital ichthyosis 1 (LI1). Also called: DESQUAMATION OF NEWBORN; ICHTHYOSIS CONGENITA; ICHTHYOSIS CONGENITA II; LAMELLAR EXFOLIATION OF NEWBORN; ICHTHYOSIS, CONGENITAL, AUTOSOMAL RECESSIVE 1, WITH BATHING SUIT DISTRIBUTION; ICHTHYOSIS, CONGENITAL, AUTOSOMAL RECESSIVE 1, WITH OR WITHOUT BATHING SUIT DISTRIBUTION. Identifiers: MedGen C4551630, MONDO:0009441, OMIM 242300.

Submission:

Myriad Genetics, Inc.
Classification: Likely pathogenic for Autosomal recessive congenital ichthyosis 1. Last evaluated: 2022-03-06. Review status: criteria provided, single submitter. Criteria: Myriad Women's Health Autosomal Recessive and X-Linked Classification Criteria (2021). Collection method: clinical testing. Allele origin: unknown.
Comment: NM_000359.2(TGM1):c.1581_1591del11(V528Hfs*14) is expected to be pathogenic in the context of TGM1-related autosomal recessive congenital ichthyosis. This variant is predicted to lead to an abnormal or absent protein product due to the creation of a premature termination codon in TGM1, a gene where loss-of-function variants are known to be pathogenic. Please note: this variant was assessed in the context of healthy population screening.

NM_000359.3(TGM1):c.1581_1591del (p.Val528fs)

Gene: TGM1 (transglutaminase 1; minus strand). Cytogenetic location: 14q12.
Variant type: Deletion.
Coding change: c.1581_1591del on transcript NM_000359.3 (MANE Select); coding-DNA positions 1581 to 1591, 11 bases deleted (TGTCACAAAGG).
Protein change: p.Val528fs; shifts the reading frame from valine 528.
Molecular consequence: frameshift variant.
Genome position (GRCh38, 1-based): chr14:24,255,418-24,255,428, CCTTTGTGACA deleted on the plus strand (TGTCACAAAGG on the coding strand, the reverse complement: TGM1 is on the minus strand). VCF-style (leftmost placement, unchanged base first): chr14-24255417-GCCTTTGTGACA-G. GRCh37 (hg19) VCF-style: chr14-24724623-GCCTTTGTGACA-G.
Other names: short protein forms V528fs.
Identifiers: ClinVar variation 1725065 (VCV001725065.2), dbSNP rs2502494887, ClinGen allele CA2580087956.